The following is an entry in ClinVar:

ClinVar aggregate classification (germline): Uncertain significance. Review status: criteria provided, multiple submitters, no conflicts (2 of 4 stars). 2 submissions from 2 submitters: Uncertain significance (2). Last evaluated 2024-04-07.

Allele frequency attached by ClinVar (database versions not stated): gnomAD 0.00017 and 0.00019; TOPMed 0.00018; ESP Exome Variant Server 0.00038.
gnomAD v4.1: 33 of 1,543,430 alleles (0.0021%); highest among the groups gnomAD compares: African/African-American, 0.043%; no homozygotes.

Submissions (2):

Labcorp Genetics (formerly Invitae), Labcorp
Classification: Uncertain significance. Last evaluated: 2024-04-07. Review status: criteria provided, single submitter. Criteria: Invitae Variant Classification Sherloc (09022015). Collection method: clinical testing. Allele origin: germline.
Comment: This sequence change replaces proline, which is neutral and non-polar, with histidine, which is basic and polar, at codon 36 of the ANXA11 protein (p.Pro36His). This variant is present in population databases (rs199988035, gnomAD 0.06%), and has an allele count higher than expected for a pathogenic variant. This variant has not been reported in the literature in individuals affected with ANXA11-related conditions. ClinVar contains an entry for this variant (Variation ID: 1377687). Experimental studies and prediction algorithms are not available or were not evaluated, and the functional significance of this variant is currently unknown. In summary, the available evidence is currently insufficient to determine the role of this variant in disease. Therefore, it has been classified as a Variant of Uncertain Significance.

Revvity Omics, Revvity
Classification: Uncertain significance. Last evaluated: 2022-11-08. Review status: criteria provided, single submitter. Criteria: ACMG Guidelines, 2015. Collection method: clinical testing. Allele origin: germline.

NM_145868.2(ANXA11):c.107C>A (p.Pro36His)

Gene: ANXA11 (annexin A11; minus strand). Cytogenetic location: 10q22.3.
Variant type: single nucleotide variant.
Coding change: c.107C>A on transcript NM_145868.2 (MANE Select); coding-DNA position 107, C replaced by A.
Protein change: p.Pro36His; replaces proline 36 with histidine.
Molecular consequence: missense variant.
Genome position (GRCh38, 1-based): chr10:80,170,864, G>T on the plus strand (C>A on the coding strand, the complement: ANXA11 is on the minus strand). VCF-style: chr10-80170864-G-T. GRCh37 (hg19) VCF-style: chr10-81930620-G-T.
Other names: c.107C>A, p.Pro36His (NM_001157.3, NM_001278407.2, NM_001278408.2 and 1 more transcripts); c.8C>A, p.Pro3His (NM_001278409.2); short protein forms P36H, P3H.
Identifiers: ClinVar variation 1377687 (VCV001377687.8), dbSNP rs199988035, ClinGen allele CA5576383.